The following is an entry in ClinVar:

NM_001447.3(FAT2):c.2263G>T (p.Ala755Ser)

Gene: FAT2 (FAT atypical cadherin 2; minus strand). Cytogenetic location: 5q33.1.
Variant type: single nucleotide variant.
Coding change: c.2263G>T on transcript NM_001447.3 (MANE Select); coding-DNA position 2263, G replaced by T.
Protein change: p.Ala755Ser; replaces alanine 755 with serine.
Molecular consequence: missense variant.
Genome position (GRCh38, 1-based): chr5:151,566,669, C>A on the plus strand (G>T on the coding strand, the complement: FAT2 is on the minus strand). VCF-style: chr5-151566669-C-A. GRCh37 (hg19) VCF-style: chr5-150946230-C-A.
Other names: c.2263G>T (NM_001447.2); short protein forms A755S.
Identifiers: ClinVar variation 2066167 (VCV002066167.28), dbSNP rs202004831, ClinGen allele CA3522098.
Genomic context (GRCh38, chr5:151,566,669, plus strand): 5'-CTACAGTGAGCAGCCCTGTCTCCAGCTCTATGTCAAAGCAGCCCTCCTCATTGCCATCTG[C>A]AATCACATAGACCAGTTTGCCATTAAAACCAGCATCAGGGTCAGTGGCTGCTAGGCGGGC-3'
Protein context (NP_001438.1, residues 745-765): GFNGKLVYVI[Ala755Ser]DGNEEGCFDI

ClinVar aggregate classification (germline): Conflicting classifications of pathogenicity. Review status: criteria provided, conflicting classifications (1 of 4 stars). 3 submissions from 3 submitters: Uncertain significance (2); Likely benign (1). Last evaluated 2024-12-01.

Allele frequency attached by ClinVar (database versions not stated): ESP Exome Variant Server 0.00008; TOPMed 0.00015; ExAC 0.00017; gnomAD 0.00017.
gnomAD v4.1: 276 of 1,614,036 alleles (0.017%); highest among the groups gnomAD compares: South Asian, 0.048%; 1 homozygote.

Submissions (3):

Ambry Genetics
Classification: Uncertain significance. Last evaluated: 2024-12-01. Review status: criteria provided, single submitter. Criteria: Ambry Variant Classification Scheme 2023. Collection method: clinical testing. Allele origin: germline.

CeGaT Center for Human Genetics Tuebingen
Classification: Likely benign. Last evaluated: 2023-10-01. Review status: criteria provided, single submitter. Criteria: CeGaT Center For Human Genetics Tuebingen Variant Classification Criteria Version 2. Collection method: clinical testing. Allele origin: germline. Affected: yes. Observed: 2 variant alleles.
Comment: FAT2: BP4

Labcorp Genetics (formerly Invitae), Labcorp
Classification: Uncertain significance. Last evaluated: 2023-01-25. Review status: criteria provided, single submitter. Criteria: Invitae Variant Classification Sherloc (09022015). Collection method: clinical testing. Allele origin: germline.
Comment: In summary, the available evidence is currently insufficient to determine the role of this variant in disease. Therefore, it has been classified as a Variant of Uncertain Significance. Algorithms developed to predict the effect of missense changes on protein structure and function output the following: SIFT: "Tolerated"; PolyPhen-2: "Benign"; Align-GVGD: "Class C0". The serine amino acid residue is found in multiple mammalian species, which suggests that this missense change does not adversely affect protein function. This variant has not been reported in the literature in individuals affected with FAT2-related conditions. This variant is present in population databases (rs202004831, gnomAD 0.1%), and has an allele count higher than expected for a pathogenic variant. This sequence change replaces alanine, which is neutral and non-polar, with serine, which is neutral and polar, at codon 755 of the FAT2 protein (p.Ala755Ser).